The following is an entry in ClinVar:

ClinVar aggregate classification (germline): Uncertain significance (1 of 4 stars; one submission).

Conditions:
Hypertrophic cardiomyopathy. Also called: HYPERTROPHIC MYOCARDIOPATHY. Identifiers: Orphanet 217569, MedGen C0007194, MeSH D002312, MONDO:0005045, HP:0001639.

Allele frequency attached by ClinVar (database versions not stated): gnomAD exomes below 0.00001 and 0.00001; gnomAD 0.00001.
gnomAD v4.1: 14 of 1,612,794 alleles (0.00087%); highest among the groups gnomAD compares: Middle Eastern, 0.017%; no homozygotes.

Submission:

Labcorp Genetics (formerly Invitae), Labcorp
Classification: Uncertain significance for Hypertrophic cardiomyopathy. Last evaluated: 2022-02-19. Review status: criteria provided, single submitter. Criteria: Invitae Variant Classification Sherloc (09022015). Collection method: clinical testing. Allele origin: germline.
Comment: In summary, the available evidence is currently insufficient to determine the role of this variant in disease. Therefore, it has been classified as a Variant of Uncertain Significance. Algorithms developed to predict the effect of missense changes on protein structure and function are either unavailable or do not agree on the potential impact of this missense change (SIFT: "Tolerated"; PolyPhen-2: "Probably Damaging"; Align-GVGD: "Class C0"). This variant has not been reported in the literature in individuals affected with MYOM1-related conditions. This variant is present in population databases (no rsID available, gnomAD 0.0009%). This sequence change replaces asparagine, which is neutral and polar, with serine, which is neutral and polar, at codon 269 of the MYOM1 protein (p.Asn269Ser).

NM_003803.4(MYOM1):c.806A>G (p.Asn269Ser)

Gene: MYOM1 (myomesin 1; minus strand). Cytogenetic location: 18p11.31.
Variant type: single nucleotide variant.
Coding change: c.806A>G on transcript NM_003803.4 (MANE Select); coding-DNA position 806, A replaced by G.
Protein change: p.Asn269Ser; replaces asparagine 269 with serine.
Molecular consequence: missense variant.
Genome position (GRCh38, 1-based): chr18:3,187,603, T>C on the plus strand (A>G on the coding strand, the complement: MYOM1 is on the minus strand). VCF-style: chr18-3187603-T-C. GRCh37 (hg19) VCF-style: chr18-3187601-T-C.
Other names: c.806A>G, p.Asn269Ser (NM_019856.2); short protein forms N269S.
Identifiers: ClinVar variation 1411549 (VCV001411549.6), dbSNP rs1304345327, ClinGen allele CA401716306.